The following is an entry in ClinVar:

NM_001127208.3(TET2):c.3881A>G (p.Tyr1294Cys)

Genes: TET2 (tet methylcytosine dioxygenase 2; plus strand), TET2-AS1 (TET2 antisense RNA 1; minus strand). Cytogenetic location: 4q24.
Variant type: single nucleotide variant.
Coding change: c.3881A>G on transcript NM_001127208.3 (MANE Select); coding-DNA position 3881, A replaced by G.
Protein change: p.Tyr1294Cys; replaces tyrosine 1294 with cysteine.
Molecular consequence: missense variant.
Genome position (GRCh38, 1-based): chr4:105,259,696, A>G. VCF-style: chr4-105259696-A-G. GRCh37 (hg19) VCF-style: chr4-106180853-A-G.
Other names: short protein forms Y1294C.
Identifiers: ClinVar variation 4767230 (VCV004767230.1).

ClinVar aggregate classification (germline): Uncertain significance (1 of 4 stars; one submission).

gnomAD v4.1: 3 of 1,551,206 alleles (0.00019%); highest among the groups gnomAD compares: Non-Finnish European, 0.00026%; no homozygotes.

Submission:

Labcorp Genetics (formerly Invitae), Labcorp
Classification: Uncertain significance. Last evaluated: 2026-01-12. Review status: criteria provided, single submitter. Criteria: Invitae Variant Classification Sherloc (09022015). Collection method: clinical testing. Allele origin: germline.
Comment: This sequence change replaces tyrosine, which is neutral and polar, with cysteine, which is neutral and slightly polar, at codon 1294 of the TET2 protein (p.Tyr1294Cys). This variant is not present in population databases (gnomAD no frequency). This variant has not been reported in the literature in individuals affected with TET2-related conditions. An algorithm developed to predict the effect of missense changes on protein structure and function (PolyPhen-2) suggests that this variant is likely to be disruptive. In summary, the available evidence is currently insufficient to determine the role of this variant in disease. Therefore, it has been classified as a Variant of Uncertain Significance.